The following is an entry in ClinVar:

ClinVar aggregate classification (germline): Pathogenic/Likely pathogenic. Review status: criteria provided, multiple submitters, no conflicts (2 of 4 stars). 3 submissions from 3 submitters: Pathogenic (2); Likely pathogenic (1). Last evaluated 2025-12-03.

Conditions:
Trichohepatoenteric syndrome 1 (THES1). Also called: DIARRHEA, FATAL INFANTILE, WITH TRICHORRHEXIS NODOSA. Identifiers: Orphanet 84064, MedGen C4551982, MONDO:0024541, OMIM 222470.

Submissions (3):

Labcorp Genetics (formerly Invitae), Labcorp
Classification: Pathogenic. Last evaluated: 2025-12-03. Review status: criteria provided, single submitter. Criteria: Invitae Variant Classification Sherloc (09022015). Collection method: clinical testing. Allele origin: germline.
Comment: This sequence change creates a premature translational stop signal (p.Arg18Lysfs*12) in the TTC37 gene. It is expected to result in an absent or disrupted protein product. Loss-of-function variants in TTC37 are known to be pathogenic (PMID: 20176027, 21120949). This variant is present in population databases (rs751870750, gnomAD 0.002%). This premature translational stop signal has been observed in individual(s) with Trichohepatoenteric syndrome (PMID: 35366317). ClinVar contains an entry for this variant (Variation ID: 2571907). For these reasons, this variant has been classified as Pathogenic.

Revvity Omics, Revvity
Classification: Likely pathogenic for Trichohepatoenteric syndrome 1. Last evaluated: 2023-08-09. Review status: criteria provided, single submitter. Criteria: ACMG Guidelines, 2015. Collection method: clinical testing. Allele origin: germline.

GeneDx
Classification: Pathogenic. Last evaluated: 2023-01-06. Review status: criteria provided, single submitter. Criteria: GeneDx Variant Classification Process June 2021. Collection method: clinical testing. Allele origin: germline. Affected: yes.
Comment: Frameshift variant predicted to result in protein truncation or nonsense mediated decay in a gene for which loss of function is a known mechanism of disease; Not observed at significant frequency in large population cohorts (gnomAD); This variant is associated with the following publications: (PMID: 35366317)

Literature cited by the submitters: PubMed 20176027 (cited by Labcorp Genetics (formerly Invitae), Labcorp); PubMed 21120949 (cited by Labcorp Genetics (formerly Invitae), Labcorp); PubMed 35366317 (cited by Labcorp Genetics (formerly Invitae), Labcorp).

NM_014639.4(SKIC3):c.53_54del (p.Arg18fs)

Gene: SKIC3 (SKI3 subunit of superkiller complex; minus strand). Cytogenetic location: 5q15.
Variant type: Deletion.
Coding change: c.53_54del on transcript NM_014639.4 (MANE Select); coding-DNA positions 53 to 54, 2 bases deleted (GA; older notation c.53_54delGA).
Protein change: p.Arg18fs; shifts the reading frame from arginine 18.
Molecular consequence: frameshift variant.
Genome position (GRCh38, 1-based): chr5:95,547,097-95,547,098, TC deleted on the plus strand (GA on the coding strand, the reverse complement: SKIC3 is on the minus strand); deleting any 2 consecutive bases within chr5:95,547,097-95,547,099 gives the same sequence; the c. name uses the placement nearest the transcript's 3' end. VCF-style (leftmost placement, unchanged base first): chr5-95547096-TTC-T. GRCh37 (hg19) VCF-style: chr5-94882800-TTC-T.
Other names: c.52_53delAG, p.Arg18Lysfs (NM_014639.3); short protein forms R18fs.
Identifiers: ClinVar variation 2571907 (VCV002571907.6), dbSNP rs751870750, ClinGen allele CA122837370.